The following is an entry in ClinVar:

ClinVar aggregate classification (germline): Uncertain significance (1 of 4 stars; one submission).

Conditions:
Immunodeficiency, common variable, 7. Identifiers: Orphanet 1572, Orphanet 696894, MedGen C3542922, MONDO:0013862, OMIM 614699.

gnomAD v4.1: 11 of 1,614,120 alleles (0.00068%); highest among the groups gnomAD compares: African/African-American, 0.0093%; no homozygotes.

Submission:

Labcorp Genetics (formerly Invitae), Labcorp
Classification: Uncertain significance for Immunodeficiency, common variable, 7. Last evaluated: 2024-03-26. Review status: criteria provided, single submitter. Criteria: Invitae Variant Classification Sherloc (09022015). Collection method: clinical testing. Allele origin: germline.
Comment: This sequence change replaces glutamine, which is neutral and polar, with histidine, which is basic and polar, at codon 991 of the CR2 protein (p.Gln991His). This variant is not present in population databases (gnomAD no frequency). This variant has not been reported in the literature in individuals affected with CR2-related conditions. ClinVar contains an entry for this variant (Variation ID: 1941470). Algorithms developed to predict the effect of missense changes on protein structure and function output the following: SIFT: "Not Available"; PolyPhen-2: "Benign"; Align-GVGD: "Not Available". The histidine amino acid residue is found in multiple mammalian species, which suggests that this missense change does not adversely affect protein function. In summary, the available evidence is currently insufficient to determine the role of this variant in disease. Therefore, it has been classified as a Variant of Uncertain Significance.

NM_001006658.3(CR2):c.2973G>T (p.Gln991His)

Gene: CR2 (complement C3d receptor 2; plus strand). Cytogenetic location: 1q32.2.
Variant type: single nucleotide variant.
Coding change: c.2973G>T on transcript NM_001006658.3 (MANE Select); coding-DNA position 2973, G replaced by T.
Protein change: p.Gln991His; replaces glutamine 991 with histidine.
Molecular consequence: missense variant.
Genome position (GRCh38, 1-based): chr1:207,477,955, G>T. VCF-style: chr1-207477955-G-T. GRCh37 (hg19) VCF-style: chr1-207651300-G-T.
Other names: c.2796G>T, p.Gln932His (NM_001877.5); short protein forms Q991H, Q932H.
Identifiers: ClinVar variation 1941470 (VCV001941470.5), dbSNP rs537266880, ClinGen allele CA36653836.